The following is an entry in ClinVar:

ClinVar aggregate classification (germline): Uncertain significance. Review status: criteria provided, multiple submitters, no conflicts (2 of 4 stars). 2 submissions from 2 submitters: Uncertain significance (2). Last evaluated 2025-09-16.

Conditions:
Combined immunodeficiency due to DOCK8 deficiency (HIES2). Also called: HYPER-IgE SYNDROME 2, AUTOSOMAL RECESSIVE, WITH RECURRENT INFECTIONS; DOCK8 Deficiency; HIES autosomal recessive; Hyper-IgE recurrent infection syndrome, autosomal recessive; HYPER-IgE RECURRENT INFECTION SYNDROME 2, AUTOSOMAL RECESSIVE. Identifiers: Orphanet 217390, MedGen C4722305, MONDO:0009478, OMIM 243700.

gnomAD v4.1: 10 of 1,613,350 alleles (0.00062%); highest among the groups gnomAD compares: Non-Finnish European, 0.00085%; no homozygotes.

Submissions (2):

Labcorp Genetics (formerly Invitae), Labcorp
Classification: Uncertain significance for Combined immunodeficiency due to DOCK8 deficiency. Last evaluated: 2025-09-16. Review status: criteria provided, single submitter. Criteria: Invitae Variant Classification Sherloc (09022015). Collection method: clinical testing. Allele origin: germline.
Comment: This sequence change replaces glutamic acid, which is acidic and polar, with glutamine, which is neutral and polar, at codon 113 of the DOCK8 protein (p.Glu113Gln). This variant is not present in population databases (gnomAD no frequency). This variant has not been reported in the literature in individuals affected with DOCK8-related conditions. Invitae Evidence Modeling of protein sequence and biophysical properties (such as structural, functional, and spatial information, amino acid conservation, physicochemical variation, residue mobility, and thermodynamic stability) indicates that this missense variant is expected to disrupt DOCK8 protein function with a positive predictive value of 80%. In summary, the available evidence is currently insufficient to determine the role of this variant in disease. Therefore, it has been classified as a Variant of Uncertain Significance.

Blueprint Genetics
Classification: Uncertain significance. Last evaluated: 2020-09-25. Review status: criteria provided, single submitter. Criteria: ACMG Guidelines, 2015. Collection method: clinical testing. Allele origin: germline.

NM_203447.4(DOCK8):c.337G>C (p.Glu113Gln)

Gene: DOCK8 (dedicator of cytokinesis 8; plus strand). Cytogenetic location: 9p24.3.
Variant type: single nucleotide variant.
Coding change: c.337G>C on transcript NM_203447.4 (MANE Select); coding-DNA position 337, G replaced by C.
Protein change: p.Glu113Gln; replaces glutamic acid 113 with glutamine.
Molecular consequence: missense variant.
Genome position (GRCh38, 1-based): chr9:289,514, G>C. VCF-style: chr9-289514-G-C. GRCh37 (hg19) VCF-style: chr9-289514-G-C.
Other names: c.133G>C, p.Glu45Gln (NM_001190458.2, NM_001193536.2); short protein forms E45Q, E113Q.
Identifiers: ClinVar variation 4773013 (VCV004773013.2).